The following is an entry in ClinVar:

ClinVar aggregate classification (germline): Uncertain significance. Review status: criteria provided, multiple submitters, no conflicts (2 of 4 stars). 2 submissions from 2 submitters: Uncertain significance (2). Last evaluated 2025-01-23.

Conditions:
Inborn genetic diseases. Identifiers: MedGen C0950123, MeSH D030342.
Amyotrophic lateral sclerosis type 1 (ALS1). Also called: AMYOTROPHIC LATERAL SCLEROSIS 1, FAMILIAL. Identifiers: Orphanet 803, MedGen C1862939, MONDO:0007103, OMIM 105400.
Neuronopathy, distal hereditary motor, type 7B. Also called: HMN VIIB; LOWER MOTOR NEURON DISEASE, DYNACTIN TYPE; NEURONOPATHY, DISTAL HEREDITARY MOTOR, AUTOSOMAL DOMINANT 14; NEURONOPATHY, DISTAL HEREDITARY MOTOR, HARDING TYPE VIIB; NEUROPATHY, DISTAL HEREDITARY MOTOR, HARDING TYPE VIIB; NEUROPATHY, DISTAL HEREDITARY MOTOR, WITH VOCAL CORD PARALYSIS, HARDING TYPE VIIB. Identifiers: Orphanet 139589, MedGen C1843315, MONDO:0011879, OMIM 607641.
Perry syndrome. Also called: PARKINSONISM WITH ALVEOLAR HYPOVENTILATION AND MENTAL DEPRESSION. Identifiers: Orphanet 178509, MedGen C1868594, MONDO:0008201, OMIM 168605.

Allele frequency attached by ClinVar (database versions not stated): gnomAD exomes 0.00001; ExAC 0.00002.

Submissions (2):

Ambry Genetics
Classification: Uncertain significance for Inborn genetic diseases. Last evaluated: 2025-01-23. Review status: criteria provided, single submitter. Criteria: Ambry Variant Classification Scheme 2023. Collection method: clinical testing. Allele origin: germline.

Labcorp Genetics (formerly Invitae), Labcorp
Classification: Uncertain significance for Amyotrophic lateral sclerosis type 1; Neuronopathy, distal hereditary motor, type 7B; Perry syndrome. Last evaluated: 2024-09-06. Review status: criteria provided, single submitter. Criteria: Invitae Variant Classification Sherloc (09022015). Collection method: clinical testing. Allele origin: germline.
Comment: This sequence change replaces serine, which is neutral and polar, with threonine, which is neutral and polar, at codon 687 of the DCTN1 protein (p.Ser687Thr). This variant is present in population databases (rs768416546, gnomAD 0.009%). This variant has not been reported in the literature in individuals affected with DCTN1-related conditions. ClinVar contains an entry for this variant (Variation ID: 1785222). Invitae Evidence Modeling of protein sequence and biophysical properties (such as structural, functional, and spatial information, amino acid conservation, physicochemical variation, residue mobility, and thermodynamic stability) indicates that this missense variant is not expected to disrupt DCTN1 protein function with a negative predictive value of 80%. In summary, the available evidence is currently insufficient to determine the role of this variant in disease. Therefore, it has been classified as a Variant of Uncertain Significance.

NM_004082.5(DCTN1):c.2060G>C (p.Ser687Thr)

Gene: DCTN1 (dynactin subunit 1; minus strand). Cytogenetic location: 2p13.1.
Variant type: single nucleotide variant.
Coding change: c.2060G>C on transcript NM_004082.5 (MANE Select); coding-DNA position 2060, G replaced by C.
Protein change: p.Ser687Thr; replaces serine 687 with threonine.
Molecular consequence: missense variant. On other transcripts: non-coding transcript variant (1).
Genome position (GRCh38, 1-based): chr2:74,367,820, C>G on the plus strand (G>C on the coding strand, the complement: DCTN1 is on the minus strand). VCF-style: chr2-74367820-C-G. GRCh37 (hg19) VCF-style: chr2-74594947-C-G.
Other names: c.2000G>C, p.Ser667Thr (NM_001135040.3); c.1658G>C, p.Ser553Thr (NM_001135041.3, NM_023019.4); c.1949G>C, p.Ser650Thr (NM_001190836.2); c.2039G>C, p.Ser680Thr (NM_001190837.2); c.2009G>C, p.Ser670Thr (NM_001378991.1); c.1991G>C, p.Ser664Thr (NM_001378992.1); short protein forms S687T, S667T, S664T, S670T, S553T, S650T, S680T.
Identifiers: ClinVar variation 1785222 (VCV001785222.6), dbSNP rs768416546, ClinGen allele CA1721962.
Genomic context (GRCh38, chr2:74,367,820, plus strand): 5'-TGCAGCAGTTCAATGAGGAAATCCAAGGAGCGCTCATGGGCACTCATCTCAGGGTACAGG[C>G]TGCCCACTTTCTTATACACATCCACACTGCACTGAGAGAGGGCACTAGAGACCAGAGAAG-3'
Protein context (NP_004073.2, residues 677-697): CSVDVYKKVG[Ser687Thr]LYPEMSAHER